The following is an entry in ClinVar:

ClinVar aggregate classification (germline): Uncertain significance. Review status: criteria provided, multiple submitters, no conflicts (2 of 4 stars). 3 submissions from 3 submitters: Uncertain significance (3). Last evaluated 2025-06-08.

Conditions:
Infantile liver failure syndrome 3. Identifiers: MedGen C5231437, MONDO:0032844, OMIM 618641.

Allele frequency attached by ClinVar (database versions not stated): TOPMed below 0.00001; gnomAD 0.00001; gnomAD exomes 0.00001.
gnomAD v4.1: 15 of 1,613,632 alleles (0.00093%); highest among the groups gnomAD compares: Middle Eastern, 0.016%; no homozygotes.

Submissions (3):

Labcorp Genetics (formerly Invitae), Labcorp
Classification: Uncertain significance. Last evaluated: 2025-06-08. Review status: criteria provided, single submitter. Criteria: Invitae Variant Classification Sherloc (09022015). Collection method: clinical testing. Allele origin: germline.
Comment: This sequence change replaces arginine, which is basic and polar, with tryptophan, which is neutral and slightly polar, at codon 374 of the RINT1 protein (p.Arg374Trp). This variant is not present in population databases (gnomAD no frequency). This variant has not been reported in the literature in individuals affected with RINT1-related conditions. ClinVar contains an entry for this variant (Variation ID: 1025153). An algorithm developed to predict the effect of missense changes on protein structure and function (PolyPhen-2) suggests that this variant is likely to be disruptive. In summary, the available evidence is currently insufficient to determine the role of this variant in disease. Therefore, it has been classified as a Variant of Uncertain Significance.

Ambry Genetics
Classification: Uncertain significance. Last evaluated: 2025-01-25. Review status: criteria provided, single submitter. Criteria: Ambry Variant Classification Scheme 2023. Collection method: clinical testing. Allele origin: germline.
Comment: The p.R374W variant (also known as c.1120C>T), located in coding exon 9 of the RINT1 gene, results from a C to T substitution at nucleotide position 1120. The arginine at codon 374 is replaced by tryptophan, an amino acid with dissimilar properties. This amino acid position is highly conserved in available vertebrate species. In addition, this alteration is predicted to be deleterious by in silico analysis. Since supporting evidence is limited at this time, the clinical significance of this alteration remains unclear.

Genomic Medicine Center of Excellence, King Faisal Specialist Hospital and Research Centre
Classification: Uncertain significance for Infantile liver failure syndrome 3. Last evaluated: 2024-03-26. Review status: criteria provided, single submitter. Criteria: ACMG Guidelines, 2015. Collection method: clinical testing. Allele origin: germline.

NM_021930.6(RINT1):c.1120C>T (p.Arg374Trp)

Gene: RINT1 (RAD50 interactor 1; plus strand). Cytogenetic location: 7q22.3.
Variant type: single nucleotide variant.
Coding change: c.1120C>T on transcript NM_021930.6 (MANE Select); coding-DNA position 1120, C replaced by T.
Protein change: p.Arg374Trp; replaces arginine 374 with tryptophan.
Molecular consequence: missense variant. On other transcripts: non-coding transcript variant (1).
Genome position (GRCh38, 1-based): chr7:105,550,273, C>T. VCF-style: chr7-105550273-C-T. GRCh37 (hg19) VCF-style: chr7-105190720-C-T.
Other names: c.97C>T (NM_001346603.1); c.886C>T, p.Arg296Trp (NM_001346599.2); c.97C>T, p.Arg33Trp (NM_001346600.2, NM_001346603.2); c.196C>T, p.Arg66Trp (NM_001346601.2); short protein forms R296W, R33W, R374W, R66W.
Identifiers: ClinVar variation 1025153 (VCV001025153.13), dbSNP rs1269514574, ClinGen allele CA368808755.
Genomic context (GRCh38, chr7:105,550,273, plus strand): 5'-CATGGATAACTTTTTATTTACATACCTCATGTTTGTGTATTTTTTTAGCTTGAATTTTCT[C>T]GGGGCCTTATGATGCTGGTTCTTGAGAAGTTAGCCACTGATATTCCTTGTCTGCTATATG-3'
Protein context (NP_068749.3, residues 364-384): SLVNARLEFS[Arg374Trp]GLMMLVLEKL